The following is an entry in ClinVar:

ClinVar aggregate classification (germline): Uncertain significance. Review status: criteria provided, multiple submitters, no conflicts (2 of 4 stars). 3 submissions from 3 submitters: Uncertain significance (3). Last evaluated 2026-05-13.

Conditions:
Inborn genetic diseases. Identifiers: MedGen C0950123, MeSH D030342.

Allele frequency attached by ClinVar (database versions not stated): gnomAD exomes 0.00001; ExAC 0.00002.
gnomAD v4.1: 11 of 1,613,764 alleles (0.00068%); highest among the groups gnomAD compares: African/African-American, 0.0013%; no homozygotes.

Submissions (3):

Women's Health and Genetics/Laboratory Corporation of America, LabCorp
Classification: Uncertain significance. Last evaluated: 2026-05-13. Review status: criteria provided, single submitter. Criteria: LabCorp Variant Classification Summary - May 2015. Collection method: clinical testing. Allele origin: germline.

Ambry Genetics
Classification: Uncertain significance for Inborn genetic diseases. Last evaluated: 2024-12-10. Review status: criteria provided, single submitter. Criteria: Ambry Variant Classification Scheme 2023. Collection method: clinical testing. Allele origin: germline.

Labcorp Genetics (formerly Invitae), Labcorp
Classification: Uncertain significance. Last evaluated: 2021-07-26. Review status: criteria provided, single submitter. Criteria: Invitae Variant Classification Sherloc (09022015). Collection method: clinical testing. Allele origin: germline.
Comment: This sequence change replaces arginine with cysteine at codon 1045 of the OBSL1 protein (p.Arg1045Cys). The arginine residue is highly conserved and there is a large physicochemical difference between arginine and cysteine. This variant is present in population databases (rs755849209, ExAC 0.01%). In summary, the available evidence is currently insufficient to determine the role of this variant in disease. Therefore, it has been classified as a Variant of Uncertain Significance. Algorithms developed to predict the effect of missense changes on protein structure and function are either unavailable or do not agree on the potential impact of this missense change (SIFT: "Deleterious"; PolyPhen-2: "Benign"; Align-GVGD: "Class C0"). This variant has not been reported in the literature in individuals affected with OBSL1-related conditions.

NM_015311.3(OBSL1):c.3133C>T (p.Arg1045Cys)

Gene: OBSL1 (obscurin like cytoskeletal adaptor 1; minus strand). Cytogenetic location: 2q35.
Variant type: single nucleotide variant.
Coding change: c.3133C>T on transcript NM_015311.3 (MANE Select); coding-DNA position 3133, C replaced by T.
Protein change: p.Arg1045Cys; replaces arginine 1045 with cysteine.
Molecular consequence: missense variant.
Genome position (GRCh38, 1-based): chr2:219,559,318, G>A on the plus strand (C>T on the coding strand, the complement: OBSL1 is on the minus strand). VCF-style: chr2-219559318-G-A. GRCh37 (hg19) VCF-style: chr2-220424040-G-A.
Other names: c.3133C>T (NM_015311.2); c.3133C>T, p.Arg1045Cys (NM_001173431.2); short protein forms R1045C.
Identifiers: ClinVar variation 1437926 (VCV001437926.10), dbSNP rs755849209, ClinGen allele CA2130956.